The following is an entry in ClinVar:

NM_030958.3(SLCO5A1):c.2523dup (p.Ala842fs)

Gene: SLCO5A1 (solute carrier organic anion transporter family member 5A1; minus strand). Cytogenetic location: 8q13.3.
Variant type: Duplication.
Coding change: c.2523dup on transcript NM_030958.3 (MANE Select); coding-DNA position 2523, one base duplicated (C; older notation c.2523dupC).
Protein change: p.Ala842fs; shifts the reading frame from alanine 842.
Molecular consequence: frameshift variant. On other transcripts: 3 prime UTR variant (1).
Genome position (GRCh38, 1-based): chr8:69,672,893, G duplicated on the plus strand (C on the coding strand, the reverse complement: SLCO5A1 is on the minus strand); the first of 4 consecutive G bases (chr8:69,672,893-69,672,896); duplicating any one gives the same sequence. VCF-style (leftmost placement, unchanged base first): chr8-69672892-C-CG. GRCh37 (hg19) VCF-style: chr8-70585127-C-CG.
Other names: c.*394dup (NM_001146008.2); c.2358dup, p.Ala787fs (NM_001146009.1); short protein forms A787fs, A842fs.
Identifiers: ClinVar variation 2873205 (VCV002873205.3), dbSNP rs1256531612, ClinGen allele CA461432244.

ClinVar aggregate classification (germline): Uncertain significance (1 of 4 stars; one submission).

Submission:

Labcorp Genetics (formerly Invitae), Labcorp
Classification: Uncertain significance. Last evaluated: 2023-10-15. Review status: criteria provided, single submitter. Criteria: Invitae Variant Classification Sherloc (09022015). Collection method: clinical testing. Allele origin: germline.
Comment: This sequence change results in a frameshift in the SLCO5A1 gene (p.Ala842Argfs*16). While this is not anticipated to result in nonsense mediated decay, it is expected to disrupt the last 7 amino acid(s) of the SLCO5A1 protein and extend the protein by 8 additional amino acid residues. This variant is present in population databases (no rsID available, gnomAD 0.002%). This variant has not been reported in the literature in individuals affected with SLCO5A1-related conditions. In summary, the available evidence is currently insufficient to determine the role of this variant in disease. Therefore, it has been classified as a Variant of Uncertain Significance.